The following is an entry in ClinVar:

ClinVar aggregate classification (germline): Conflicting classifications of pathogenicity. Review status: criteria provided, conflicting classifications (1 of 4 stars). 5 submissions from 5 submitters: Uncertain significance (3); Likely benign (1). 1 of the submissions does not count toward it. Last evaluated 2025-02-18.

Conditions:
Hereditary cancer-predisposing syndrome. Also called: Tumor predisposition; Neoplastic Syndromes, Hereditary; Hereditary Cancer Syndrome; Hereditary neoplastic syndrome. Identifiers: Orphanet 140162, MedGen C0027672, MeSH D009386, MONDO:0015356.
Familial cancer of breast. Also called: Hereditary breast cancer; BREAST CANCER, FAMILIAL; hereditary breast carcinoma. Identifiers: Orphanet 227535, MedGen C0346153, MONDO:0016419, OMIM 114480. Disease mechanism: loss of function.

Submissions (5):

Labcorp Genetics (formerly Invitae), Labcorp
Classification: Uncertain significance for Familial cancer of breast. Last evaluated: 2025-02-18. Review status: criteria provided, single submitter. Criteria: Invitae Variant Classification Sherloc (09022015). Collection method: clinical testing. Allele origin: germline.
Comment: This sequence change replaces lysine, which is basic and polar, with glutamine, which is neutral and polar, at codon 685 of the PALB2 protein (p.Lys685Gln). This variant is present in population databases (no rsID available, gnomAD 0.006%). This variant has not been reported in the literature in individuals affected with PALB2-related conditions. ClinVar contains an entry for this variant (Variation ID: 245754). Invitae Evidence Modeling of protein sequence and biophysical properties (such as structural, functional, and spatial information, amino acid conservation, physicochemical variation, residue mobility, and thermodynamic stability) indicates that this missense variant is not expected to disrupt PALB2 protein function with a negative predictive value of 80%. In summary, the available evidence is currently insufficient to determine the role of this variant in disease. Therefore, it has been classified as a Variant of Uncertain Significance.

Ambry Genetics
Classification: Likely benign for Hereditary cancer-predisposing syndrome. Last evaluated: 2025-01-11. Review status: criteria provided, single submitter. Criteria: Ambry Variant Classification Scheme 2023. Collection method: clinical testing. Allele origin: germline.

Color Diagnostics, LLC DBA Color Health
Classification: Uncertain significance for Hereditary cancer-predisposing syndrome. Last evaluated: 2018-12-20. Review status: criteria provided, single submitter. Criteria: ACMG Guidelines, 2015. Collection method: clinical testing. Allele origin: germline.

GeneDx
Classification: Uncertain significance. Last evaluated: 2016-01-07. Review status: criteria provided, single submitter. Criteria: GeneDx Variant Classification (06012015). Collection method: clinical testing. Allele origin: germline. Affected: yes.
Comment: This variant is denoted PALB2 c.2053A>C at the cDNA level, p.Lys685Gln (K685Q) at the protein level, and results in the change of a Lysine to a Glutamine (AAA>CAA). This variant has not, to our knowledge, been published in the literature as pathogenic or benign. PALB2 Lys685Gln was not observed in approximately 6,500 individuals of European and African American ancestry in the NHLBI Exome Sequencing Project, indicating it is not a common benign variant in these populations. Since Lysine and Glutamine differ in some properties, this is considered a semi-conservative amino acid substitution. PALB2 Lys685Gln occurs at a position that is not conserved and is not located in a known functional domain (UniProt). In silico analyses predict that this variant is unlikely to alter protein structure or function. Based on currently available information, it is unclear whether PALB2 Lys685Gln is pathogenic or benign. We consider it to be a variant of uncertain significance.

Leiden Open Variation Database
Classification: Uncertain significance. Last evaluated: 2018-10-10. Review status: no assertion criteria provided. Collection method: curation. Allele origin: germline. Affected: yes. Not counted in ClinVar's aggregate classification.
Comment: Curators: Marc Tischkowitz, Arleen D. Auerbach. Submitter to LOVD: Yukihide Momozawa.

Literature cited by the submitters: PubMed 30287823 (cited by Ambry Genetics and Leiden Open Variation Database).

NM_024675.4(PALB2):c.2053A>C (p.Lys685Gln)

Gene: PALB2 (partner and localizer of BRCA2; minus strand). Cytogenetic location: 16p12.2.
Variant type: single nucleotide variant.
Coding change: c.2053A>C on transcript NM_024675.4 (MANE Select); coding-DNA position 2053, A replaced by C.
Protein change: p.Lys685Gln; replaces lysine 685 with glutamine.
Molecular consequence: missense variant.
Genome position (GRCh38, 1-based): chr16:23,630,101, T>G on the plus strand (A>C on the coding strand, the complement: PALB2 is on the minus strand). VCF-style: chr16-23630101-T-G. GRCh37 (hg19) VCF-style: chr16-23641422-T-G.
Other names: short protein forms K685Q.
Identifiers: ClinVar variation 245754 (VCV000245754.18), dbSNP rs876660397, ClinGen allele CA10584513.